The following is an entry in ClinVar:

NM_201596.3(CACNB2):c.742C>T (p.Pro248Ser)

Gene: CACNB2 (calcium voltage-gated channel auxiliary subunit beta 2; plus strand). Cytogenetic location: 10p12.31.
Variant type: single nucleotide variant.
Coding change: c.742C>T on transcript NM_201596.3 (MANE Select); coding-DNA position 742, C replaced by T.
Protein change: p.Pro248Ser; replaces proline 248 with serine.
Molecular consequence: missense variant. On other transcripts: intron variant (5).
Genome position (GRCh38, 1-based): chr10:18,514,307, C>T. VCF-style: chr10-18514307-C-T. GRCh37 (hg19) VCF-style: chr10-18803236-C-T.
Other names: c.577C>T, p.Pro193Ser (NM_000724.4); c.598C>T, p.Pro200Ser (NM_201570.3); c.658C>T, p.Pro220Ser (NM_201571.4); c.580C>T, p.Pro194Ser (NM_201590.3); c.587-204C>T (NM_001167945.2); c.587-673C>T (NM_201572.4); c.671-204C>T (NM_201593.3); c.671-673C>T (NM_201597.3); and 1 more; short protein forms P220S, P248S, P193S, P194S, P200S.
Identifiers: ClinVar variation 951785 (VCV000951785.7), dbSNP rs982247860, ClinGen allele CA203227827.

ClinVar aggregate classification (germline): Uncertain significance (1 of 4 stars; one submission).

Conditions:
Brugada syndrome 4 (BRGDA4). Identifiers: Orphanet 130, MedGen C2678477, MONDO:0012743, OMIM 611876.

Allele frequency attached by ClinVar (database versions not stated): gnomAD exomes below 0.00001; gnomAD 0.00001; TOPMed 0.00001.
gnomAD v4.1: 2 of 1,614,004 alleles (0.00012%); highest among the groups gnomAD compares: Non-Finnish European, 0.00017%; no homozygotes.

Submission:

Labcorp Genetics (formerly Invitae), Labcorp
Classification: Uncertain significance for Brugada syndrome 4. Last evaluated: 2021-08-31. Review status: criteria provided, single submitter. Criteria: Invitae Variant Classification Sherloc (09022015). Collection method: clinical testing. Allele origin: germline.
Comment: This sequence change replaces proline with serine at codon 194 of the CACNB2 protein (p.Pro194Ser). The proline residue is moderately conserved and there is a moderate physicochemical difference between proline and serine. This variant is not present in population databases (ExAC no frequency). This variant has not been reported in the literature in individuals affected with CACNB2-related conditions. Algorithms developed to predict the effect of missense changes on protein structure and function (SIFT, PolyPhen-2, Align-GVGD) all suggest that this variant is likely to be tolerated. In summary, the available evidence is currently insufficient to determine the role of this variant in disease. Therefore, it has been classified as a Variant of Uncertain Significance.